The following is an entry in ClinVar:

NC_000006.11:g.(?_64776211)_(64791915_?)del

Gene: EYS (eyes shut homolog; minus strand). Cytogenetic location: 6q12.
Variant type: Deletion.
Identifiers: ClinVar variation 1455348 (VCV001455348.5).

ClinVar aggregate classification (germline): Pathogenic (1 of 4 stars; one submission).

Submission:

Labcorp Genetics (formerly Invitae), Labcorp
Classification: Pathogenic. Last evaluated: 2023-12-24. Review status: criteria provided, single submitter. Criteria: Invitae Variant Classification Sherloc (09022015). Collection method: clinical testing. Allele origin: germline.
Comment: This variant is a gross deletion of the genomic region encompassing exon(s) 32-33 of the EYS gene. This deletion is out-of-frame, and is expected to create a premature termination codon and result in an absent or disrupted protein product. Loss-of-function variants in EYS are known to be pathogenic (PMID: 18836446, 20333770). A similar copy number variant has been observed in individual(s) with retinitis pigmentosa (PMID: 20333770). It has also been observed to segregate with disease in related individuals. For these reasons, this variant has been classified as Pathogenic.

Literature cited by the submitters: PubMed 18836446; PubMed 20333770.